The following is an entry in ClinVar:

NM_001145358.2(SIN3A):c.866C>T (p.Ser289Leu)

Gene: SIN3A (SIN3 transcription regulator family member A; minus strand). Cytogenetic location: 15q24.2.
Variant type: single nucleotide variant.
Coding change: c.866C>T on transcript NM_001145358.2 (MANE Select); coding-DNA position 866, C replaced by T.
Protein change: p.Ser289Leu; replaces serine 289 with leucine.
Molecular consequence: missense variant.
Genome position (GRCh38, 1-based): chr15:75,411,634, G>A on the plus strand (C>T on the coding strand, the complement: SIN3A is on the minus strand). VCF-style: chr15-75411634-G-A. GRCh37 (hg19) VCF-style: chr15-75703975-G-A.
Other names: c.866C>T, p.Ser289Leu (NM_001145357.2, NM_015477.3); short protein forms S289L.
Identifiers: ClinVar variation 2962021 (VCV002962021.3), dbSNP rs1347764887, ClinGen allele CA393447883.

ClinVar aggregate classification (germline): Uncertain significance (1 of 4 stars; one submission).

Allele frequency attached by ClinVar (database versions not stated): gnomAD exomes below 0.00001; TOPMed below 0.00001; gnomAD 0.00001.
gnomAD v4.1: 3 of 1,614,082 alleles (0.00019%); highest among the groups gnomAD compares: Admixed American, 0.0033%; no homozygotes.

Submission:

Labcorp Genetics (formerly Invitae), Labcorp
Classification: Uncertain significance. Last evaluated: 2025-06-12. Review status: criteria provided, single submitter. Criteria: Invitae Variant Classification Sherloc (09022015). Collection method: clinical testing. Allele origin: germline.
Comment: This sequence change replaces serine, which is neutral and polar, with leucine, which is neutral and non-polar, at codon 289 of the SIN3A protein (p.Ser289Leu). This variant is present in population databases (no rsID available, gnomAD 0.1%). This variant has not been reported in the literature in individuals affected with SIN3A-related conditions. ClinVar contains an entry for this variant (Variation ID: 2962021). Invitae Evidence Modeling of protein sequence and biophysical properties (such as structural, functional, and spatial information, amino acid conservation, physicochemical variation, residue mobility, and thermodynamic stability) indicates that this missense variant is not expected to disrupt SIN3A protein function with a negative predictive value of 80%. In summary, the available evidence is currently insufficient to determine the role of this variant in disease. Therefore, it has been classified as a Variant of Uncertain Significance.